The following is an entry in ClinVar:

NM_001148.6(ANK2):c.6007C>T (p.Pro2003Ser)

Genes: ANK2 (ankyrin 2; plus strand), LOC126807136 (MED14-independent group 3 enhancer GRCh37_chr4:114274931-114276130; plus strand). Cytogenetic location: 4q26.
Variant type: single nucleotide variant.
Coding change: c.6007C>T on transcript NM_001148.6 (MANE Select); coding-DNA position 6007, C replaced by T.
Protein change: p.Pro2003Ser; replaces proline 2003 with serine.
Molecular consequence: missense variant. On other transcripts: intron variant (68).
Genome position (GRCh38, 1-based): chr4:113,354,625, C>T. VCF-style: chr4-113354625-C-T. GRCh37 (hg19) VCF-style: chr4-114275781-C-T.
Other names: c.5773C>T, p.Pro1925Ser (NM_001386142.1); c.2407C>T, p.Pro803Ser (NM_001386166.1); c.6148C>T, p.Pro2050Ser (NM_001386174.1); c.6124C>T, p.Pro2042Ser (NM_001386175.1); c.4411+4376C>T (NM_001386186.2, NM_001386148.2); c.4213+4376C>T (NM_001354269.3); c.4291+4376C>T (NM_001386187.2); c.4252+4376C>T (NM_001386147.1); and 35 more; short protein forms P2050S, P1925S, P2003S, P2042S, P803S.
Identifiers: ClinVar variation 4051440 (VCV004051440.1).

ClinVar aggregate classification (germline): Uncertain significance (1 of 4 stars; one submission).

Conditions:
Cardiovascular phenotype. Identifiers: MedGen CN230736.

Submission:

Ambry Genetics
Classification: Uncertain significance for Cardiovascular phenotype. Last evaluated: 2025-06-10. Review status: criteria provided, single submitter. Criteria: Ambry Variant Classification Scheme 2023. Collection method: clinical testing. Allele origin: germline.
Comment: The p.P2003S variant (also known as c.6007C>T), located in coding exon 38 of the ANK2 gene, results from a C to T substitution at nucleotide position 6007. The proline at codon 2003 is replaced by serine, an amino acid with similar properties. This amino acid position is conserved. In addition, this alteration is predicted to be deleterious by in silico analysis. Based on the available evidence, the clinical significance of this variant remains unclear.